The following is an entry in ClinVar:

NM_003038.5(SLC1A4):c.898G>A (p.Ala300Thr)

Gene: SLC1A4 (solute carrier family 1 member 4; plus strand). Cytogenetic location: 2p14.
Variant type: single nucleotide variant.
Coding change: c.898G>A on transcript NM_003038.5 (MANE Select); coding-DNA position 898, G replaced by A.
Protein change: p.Ala300Thr; replaces alanine 300 with threonine.
Molecular consequence: missense variant. On other transcripts: intron variant (1).
Genome position (GRCh38, 1-based): chr2:65,016,537, G>A. VCF-style: chr2-65016537-G-A. GRCh37 (hg19) VCF-style: chr2-65243671-G-A.
Other names: c.238G>A, p.Ala80Thr (NM_001348406.2, NM_001348407.2); c.141-1534G>A (NM_001193493.2); short protein forms A300T, A80T.
Identifiers: ClinVar variation 1385591 (VCV001385591.6), dbSNP rs755218346, ClinGen allele CA1686006.
Genomic context (GRCh38, chr2:65,016,537, plus strand): 5'-AAGATCGTGGAAATGAAAGACATCATCGTGCTGGTGACCAGCCTGGGGAAATACATCTTC[G>A]CATCTATATTGGGCCATGTTATTCATGGAGGAATTGTTCTGCCACTTATTTATTTTGTTT-3'
Protein context (NP_003029.2, residues 290-310): LVTSLGKYIF[Ala300Thr]SILGHVIHGG

ClinVar aggregate classification (germline): Uncertain significance (1 of 4 stars; one submission).

Allele frequency attached by ClinVar (database versions not stated): gnomAD 0.00001; gnomAD exomes 0.00001; ExAC 0.00002.
gnomAD v4.1: 13 of 1,613,980 alleles (0.00081%); highest among the groups gnomAD compares: Admixed American, 0.0033%; no homozygotes.

Submission:

Labcorp Genetics (formerly Invitae), Labcorp
Classification: Uncertain significance. Last evaluated: 2021-11-27. Review status: criteria provided, single submitter. Criteria: Invitae Variant Classification Sherloc (09022015). Collection method: clinical testing. Allele origin: germline.
Comment: This sequence change replaces alanine, which is neutral and non-polar, with threonine, which is neutral and polar, at codon 300 of the SLC1A4 protein (p.Ala300Thr). This variant is present in population databases (rs755218346, gnomAD 0.006%). In summary, the available evidence is currently insufficient to determine the role of this variant in disease. Therefore, it has been classified as a Variant of Uncertain Significance. Algorithms developed to predict the effect of missense changes on protein structure and function output the following: SIFT: "Tolerated"; PolyPhen-2: "Benign"; Align-GVGD: "Class C0". The threonine amino acid residue is found in multiple mammalian species, which suggests that this missense change does not adversely affect protein function. This variant has not been reported in the literature in individuals affected with SLC1A4-related conditions.